The following is an entry in ClinVar:

ClinVar aggregate classification (germline): Uncertain significance. Review status: criteria provided, multiple submitters, no conflicts (2 of 4 stars). 2 submissions from 2 submitters: Uncertain significance (2). Last evaluated 2025-10-27.

Conditions:
Neutropenia, severe congenital, 2, autosomal dominant. Identifiers: Orphanet 486, MedGen C2751288, MONDO:0013139, OMIM 613107.

Submissions (2):

Labcorp Genetics (formerly Invitae), Labcorp
Classification: Uncertain significance for Neutropenia, severe congenital, 2, autosomal dominant. Last evaluated: 2025-10-27. Review status: criteria provided, single submitter. Criteria: Invitae Variant Classification Sherloc (09022015). Collection method: clinical testing. Allele origin: germline.
Comment: This sequence change replaces threonine, which is neutral and polar, with isoleucine, which is neutral and non-polar, at codon 192 of the GFI1 protein (p.Thr192Ile). This variant is not present in population databases (gnomAD no frequency). This variant has not been reported in the literature in individuals affected with GFI1-related conditions. ClinVar contains an entry for this variant (Variation ID: 4263246). Invitae Evidence Modeling of protein sequence and biophysical properties (such as structural, functional, and spatial information, amino acid conservation, physicochemical variation, residue mobility, and thermodynamic stability) indicates that this missense variant is not expected to disrupt GFI1 protein function with a negative predictive value of 80%. In summary, the available evidence is currently insufficient to determine the role of this variant in disease. Therefore, it has been classified as a Variant of Uncertain Significance.

Ambry Genetics
Classification: Uncertain significance. Last evaluated: 2025-08-30. Review status: criteria provided, single submitter. Criteria: Ambry Variant Classification Scheme 2023. Collection method: clinical testing. Allele origin: germline.
Comment: The p.T192I variant (also known as c.575C>T), located in coding exon 3 of the GFI1 gene, results from a C to T substitution at nucleotide position 575. The threonine at codon 192 is replaced by isoleucine, an amino acid with similar properties. This amino acid position is conserved. In addition, this alteration is predicted to be tolerated by in silico analysis. Based on the available evidence, the clinical significance of this variant remains unclear.

NM_005263.5(GFI1):c.575C>T (p.Thr192Ile)

Gene: GFI1 (growth factor independent 1 transcriptional repressor; minus strand). Cytogenetic location: 1p22.1.
Variant type: single nucleotide variant.
Coding change: c.575C>T on transcript NM_005263.5 (MANE Select); coding-DNA position 575, C replaced by T.
Protein change: p.Thr192Ile; replaces threonine 192 with isoleucine.
Molecular consequence: missense variant.
Genome position (GRCh38, 1-based): chr1:92,480,812, G>A on the plus strand (C>T on the coding strand, the complement: GFI1 is on the minus strand). VCF-style: chr1-92480812-G-A. GRCh37 (hg19) VCF-style: chr1-92946369-G-A.
Other names: c.575C>T, p.Thr192Ile (NM_001127215.3, NM_001127216.3); short protein forms T192I.
Identifiers: ClinVar variation 4263246 (VCV004263246.2).